The following is an entry in ClinVar:

NM_198271.5(LMOD3):c.1284del (p.Met430fs)

Gene: LMOD3 (leiomodin 3; minus strand). Cytogenetic location: 3p14.1.
Variant type: Deletion.
Coding change: c.1284del on transcript NM_198271.5 (MANE Select); coding-DNA position 1284, one base deleted (T; older notation c.1284delT).
Protein change: p.Met430fs; shifts the reading frame from methionine 430.
Molecular consequence: frameshift variant.
Genome position (GRCh38, 1-based): chr3:69,119,071, A deleted on the plus strand (T on the coding strand, the reverse complement: LMOD3 is on the minus strand). VCF-style (leftmost placement, unchanged base first): chr3-69119070-CA-C. GRCh37 (hg19) VCF-style: chr3-69168221-CA-C.
Other names: c.1284del, p.Met430fs (NM_001304418.3); short protein forms M430fs.
Identifiers: ClinVar variation 4738488 (VCV004738488.1).

ClinVar aggregate classification (germline): Pathogenic (1 of 4 stars; one submission).

Conditions:
Nemaline myopathy 10 (NEM10). Identifiers: MedGen C4015360, MONDO:0014513, OMIM 616165.

Submission:

Labcorp Genetics (formerly Invitae), Labcorp
Classification: Pathogenic for Nemaline myopathy 10. Last evaluated: 2025-03-28. Review status: criteria provided, single submitter. Criteria: Invitae Variant Classification Sherloc (09022015). Collection method: clinical testing. Allele origin: germline.
Comment: This sequence change creates a premature translational stop signal (p.Met430Cysfs*39) in the LMOD3 gene. It is expected to result in an absent or disrupted protein product. Loss-of-function variants in LMOD3 are known to be pathogenic (PMID: 25250574). This variant is present in population databases (rs755624835, gnomAD 0.007%). This variant has not been reported in the literature in individuals affected with LMOD3-related conditions. For these reasons, this variant has been classified as Pathogenic.

Literature cited by the submitters: PubMed 25250574.